The following is an entry in ClinVar:

ClinVar aggregate classification (germline): Uncertain significance (1 of 4 stars; one submission).

gnomAD v4.1: 1 of 1,611,762 alleles (0.000062%); highest among the groups gnomAD compares: Non-Finnish European, 0.000085%; no homozygotes.

Submission:

Labcorp Genetics (formerly Invitae), Labcorp
Classification: Uncertain significance. Last evaluated: 2022-05-06. Review status: criteria provided, single submitter. Criteria: Invitae Variant Classification Sherloc (09022015). Collection method: clinical testing. Allele origin: germline.
Comment: This sequence change replaces proline, which is neutral and non-polar, with leucine, which is neutral and non-polar, at codon 835 of the AP3D1 protein (p.Pro835Leu). This variant is not present in population databases (gnomAD no frequency). This variant has not been reported in the literature in individuals affected with AP3D1-related conditions. Algorithms developed to predict the effect of missense changes on protein structure and function (SIFT, PolyPhen-2, Align-GVGD) all suggest that this variant is likely to be tolerated. In summary, the available evidence is currently insufficient to determine the role of this variant in disease. Therefore, it has been classified as a Variant of Uncertain Significance.

NM_001261826.3(AP3D1):c.2504C>T (p.Pro835Leu)

Gene: AP3D1 (adaptor related protein complex 3 subunit delta 1; minus strand). Cytogenetic location: 19p13.3.
Variant type: single nucleotide variant.
Coding change: c.2504C>T on transcript NM_001261826.3 (MANE Select); coding-DNA position 2504, C replaced by T.
Protein change: p.Pro835Leu; replaces proline 835 with leucine.
Molecular consequence: missense variant.
Genome position (GRCh38, 1-based): chr19:2,114,222, G>A on the plus strand (C>T on the coding strand, the complement: AP3D1 is on the minus strand). VCF-style: chr19-2114222-G-A. GRCh37 (hg19) VCF-style: chr19-2114221-G-A.
Other names: c.2504C>T, p.Pro835Leu (NM_001374799.1, NM_003938.8); short protein forms P835L.
Identifiers: ClinVar variation 2133659 (VCV002133659.4), dbSNP rs2145035166, ClinGen allele CA403208643.